The following is an entry in ClinVar:

NM_001372066.1(TFAP2A):c.322G>C (p.Gly108Arg)

Gene: TFAP2A (transcription factor AP-2 alpha; minus strand). Cytogenetic location: 6p24.3.
Variant type: single nucleotide variant.
Coding change: c.322G>C on transcript NM_001372066.1 (MANE Select); coding-DNA position 322, G replaced by C.
Protein change: p.Gly108Arg; replaces glycine 108 with arginine.
Molecular consequence: missense variant.
Genome position (GRCh38, 1-based): chr6:10,410,065, C>G on the plus strand (G>C on the coding strand, the complement: TFAP2A is on the minus strand). VCF-style: chr6-10410065-C-G. GRCh37 (hg19) VCF-style: chr6-10410298-C-G.
Other names: NM_003220.2:c.316G>C; c.298G>C, p.Gly100Arg (NM_001032280.3); c.304G>C, p.Gly102Arg (NM_001042425.3); short protein forms G102R, G100R, G108R.
Identifiers: ClinVar variation 3671148 (VCV003671148.3).
Genomic context (GRCh38, chr6:10,410,065, plus strand): 5'-CCCTGCGAGGATCCAGGCCCGACAGCTGGTGAGGCAGCCCCCGGTGCGTGTGCAGGAGCC[C>G]AGACTCCTGGCTCTGCCTCTGGCCGGGCCAGCCTGGGTGCTGCGGCTGCGGCTGGGCGTG-3'
Protein context (NP_001358995.1, residues 98-118): WPGQRQSQES[Gly108Arg]LLHTHRGLPH

ClinVar aggregate classification (germline): Uncertain significance. Review status: criteria provided, multiple submitters, no conflicts (2 of 4 stars). 2 submissions from 2 submitters: Uncertain significance (2). Last evaluated 2025-10-29.

Conditions:
Inborn genetic diseases. Identifiers: MedGen C0950123, MeSH D030342.

gnomAD v4.1: 6 of 1,612,822 alleles (0.00037%); highest among the groups gnomAD compares: Admixed American, 0.01%; no homozygotes.

Submissions (2):

Labcorp Genetics (formerly Invitae), Labcorp
Classification: Uncertain significance. Last evaluated: 2025-10-29. Review status: criteria provided, single submitter. Criteria: Invitae Variant Classification Sherloc (09022015). Collection method: clinical testing. Allele origin: germline.
Comment: This sequence change replaces glycine, which is neutral and non-polar, with arginine, which is basic and polar, at codon 106 of the TFAP2A protein (p.Gly106Arg). This variant is present in population databases (rs753730365, gnomAD 0.01%). This variant has not been reported in the literature in individuals affected with TFAP2A-related conditions. ClinVar contains an entry for this variant (Variation ID: 3671148). Invitae Evidence Modeling of protein sequence and biophysical properties (such as structural, functional, and spatial information, amino acid conservation, physicochemical variation, residue mobility, and thermodynamic stability) indicates that this missense variant is not expected to disrupt TFAP2A protein function with a negative predictive value of 80%. In summary, the available evidence is currently insufficient to determine the role of this variant in disease. Therefore, it has been classified as a Variant of Uncertain Significance.

Ambry Genetics
Classification: Uncertain significance for Inborn genetic diseases. Last evaluated: 2025-02-04. Review status: criteria provided, single submitter. Criteria: Ambry Variant Classification Scheme 2023. Collection method: clinical testing. Allele origin: germline.